The following is an entry in ClinVar:

ClinVar aggregate classification (germline): Pathogenic (1 of 4 stars; one submission).

Conditions:
Primary ciliary dyskinesia. Also called: Ciliary dyskinesia. Identifiers: Orphanet 244, MedGen C0008780, MONDO:0016575, HP:0012265.

Submission:

Labcorp Genetics (formerly Invitae), Labcorp
Classification: Pathogenic for Primary ciliary dyskinesia. Last evaluated: 2022-06-10. Review status: criteria provided, single submitter. Criteria: Invitae Variant Classification Sherloc (09022015). Collection method: clinical testing. Allele origin: germline.
Comment: For these reasons, this variant has been classified as Pathogenic. This variant has not been reported in the literature in individuals affected with DNAH5-related conditions. This variant is not present in population databases (gnomAD no frequency). This sequence change creates a premature translational stop signal (p.Met4482Argfs*11) in the DNAH5 gene. It is expected to result in an absent or disrupted protein product. Loss-of-function variants in DNAH5 are known to be pathogenic (PMID: 11788826, 16627867).

Literature cited by the submitters: PubMed 11788826; PubMed 16627867.

NM_001369.3(DNAH5):c.13445del (p.Met4482fs)

Gene: DNAH5 (dynein axonemal heavy chain 5; minus strand). Cytogenetic location: 5p15.2.
Variant type: Deletion.
Coding change: c.13445del on transcript NM_001369.3 (MANE Select); coding-DNA position 13445, one base deleted (T; older notation c.13445delT).
Protein change: p.Met4482fs; shifts the reading frame from methionine 4482.
Molecular consequence: frameshift variant.
Genome position (GRCh38, 1-based): chr5:13,701,330, A deleted on the plus strand (T on the coding strand, the reverse complement: DNAH5 is on the minus strand). VCF-style (leftmost placement, unchanged base first): chr5-13701329-CA-C. GRCh37 (hg19) VCF-style: chr5-13701438-CA-C.
Other names: short protein forms M4482fs.
Identifiers: ClinVar variation 2000386 (VCV002000386.4), dbSNP rs2546469352, ClinGen allele CA2580071988.